The following is an entry in ClinVar:

NM_001130682.3(GUCY1A1):c.366A>G (p.Ala122=)

Gene: GUCY1A1 (guanylate cyclase 1 soluble subunit alpha 1; plus strand). Cytogenetic location: 4q32.1.
Variant type: single nucleotide variant.
Coding change: c.366A>G on transcript NM_001130682.3 (MANE Select); coding-DNA position 366, A replaced by G.
Protein change: p.Ala122=; no amino-acid change (alanine 122 retained).
Molecular consequence: synonymous variant. On other transcripts: 5 prime UTR variant (1).
Genome position (GRCh38, 1-based): chr4:155,708,284, A>G. VCF-style: chr4-155708284-A-G. GRCh37 (hg19) VCF-style: chr4-156629436-A-G.
Other names: p.Ala122=; c.366A>G, p.Ala122= (NM_000856.6, NM_001130683.4, NM_001130684.3 and 13 more transcripts); c.-340A>G (NM_001130685.3).
Identifiers: ClinVar variation 776027 (VCV000776027.8), dbSNP rs75832628, ClinGen allele CA3117156.

ClinVar aggregate classification (germline): Benign/Likely benign. Review status: criteria provided, multiple submitters, no conflicts (2 of 4 stars). 2 submissions from 2 submitters: Benign (1); Likely benign (1). Last evaluated 2025-11-11.

Allele frequency attached by ClinVar (database versions not stated): gnomAD exomes 0.00042 and 0.00103; ExAC 0.00126; ESP Exome Variant Server 0.00369; gnomAD 0.00407 and 0.00431; TOPMed 0.00451; 1000 Genomes Project 0.00579; 1000 Genomes Project 30x 0.00625.
gnomAD v4.1: 1,233 of 1,537,122 alleles (0.08%); highest among the groups gnomAD compares: African/African-American, 1.4%; 9 homozygotes.

Submissions (2):

Labcorp Genetics (formerly Invitae), Labcorp
Classification: Benign. Last evaluated: 2025-11-11. Review status: criteria provided, single submitter. Criteria: Invitae Variant Classification Sherloc (09022015). Collection method: clinical testing. Allele origin: germline.

Mayo Clinic Laboratories, Mayo Clinic
Classification: Likely benign. Last evaluated: 2025-09-25. Review status: criteria provided, single submitter. Criteria: ACMG Guidelines, 2015. Collection method: clinical testing. Allele origin: germline. Observed: 4 variant alleles.
Comment: BS2, BP4, BP7